The following is an entry in ClinVar:

NM_005491.5(MAMLD1):c.171+10A>T

Gene: MAMLD1 (mastermind like domain containing 1; plus strand). Cytogenetic location: Xq28.
Variant type: single nucleotide variant.
Coding change: c.171+10A>T on transcript NM_005491.5 (MANE Select); 10 bases into the intron after coding-DNA position 171, A replaced by T.
Molecular consequence: intron variant.
Genome position (GRCh38, 1-based): chrX:150,462,856, A>T. VCF-style: chrX-150462856-A-T. GRCh37 (hg19) VCF-style: chrX-149631122-A-T.
Other names: c.171+10A>T (NM_001400515.1, NM_001400513.1, NM_001400512.1); c.97-6889A>T (NM_001177466.3, NM_001400514.1, NM_001177465.3).
Identifiers: ClinVar variation 3041234 (VCV003041234.2), dbSNP rs2521535918, ClinGen allele CA2579720520.

ClinVar aggregate classification (germline): Likely benign (0 of 4 stars; one submission).

Conditions:
MAMLD1-related disorder. Also called: MAMLD1-related condition.

Submission:

PreventionGenetics, part of Exact Sciences
Classification: Likely benign for MAMLD1-related condition. Last evaluated: 2020-02-04. Review status: no assertion criteria provided. Collection method: clinical testing. Allele origin: germline.
Comment: This variant is classified as likely benign based on ACMG/AMP sequence variant interpretation guidelines (Richards et al. 2015 PMID: 25741868, with internal and published modifications).